The following is an entry in ClinVar:

NM_153704.6(TMEM67):c.2744A>G (p.Glu915Gly)

Gene: TMEM67 (transmembrane protein 67; plus strand). Cytogenetic location: 8q22.1.
Variant type: single nucleotide variant.
Coding change: c.2744A>G on transcript NM_153704.6 (MANE Select); coding-DNA position 2744, A replaced by G.
Protein change: p.Glu915Gly; replaces glutamic acid 915 with glycine.
Molecular consequence: missense variant. On other transcripts: non-coding transcript variant (1).
Genome position (GRCh38, 1-based): chr8:93,809,867, A>G. VCF-style: chr8-93809867-A-G. GRCh37 (hg19) VCF-style: chr8-94822095-A-G.
Other names: c.2501A>G, p.Glu834Gly (NM_001142301.1); short protein forms E834G, E915G.
Identifiers: ClinVar variation 4982210 (VCV004982210.1).

ClinVar aggregate classification (germline): Uncertain significance (1 of 4 stars; one submission).

Conditions:
TMEM67-related disorder. Also called: TMEM67-related disorders; TMEM67-related condition. Identifiers: MedGen CN239423.

gnomAD v4.1: 7 of 1,605,336 alleles (0.00044%); highest among the groups gnomAD compares: Non-Finnish European, 0.00051%; no homozygotes.

Submission:

PreventionGenetics, part of Exact Sciences
Classification: Uncertain significance for TMEM67-related condition. Last evaluated: 2025-02-09. Review status: criteria provided, single submitter. Criteria: ACMG Guidelines, 2015. Collection method: clinical testing. Allele origin: germline.
Comment: The TMEM67 c.2744A>G variant is predicted to result in the amino acid substitution p.Glu915Gly. To our knowledge, this variant has not been reported in the literature. This variant is reported in 0.00088% of alleles in individuals of European (Non-Finnish) descent in gnomAD. At this time, the clinical significance of this variant is uncertain due to the absence of conclusive functional and genetic evidence.